The following is an entry in ClinVar:

NM_004523.4(KIF11):c.445G>C (p.Asp149His)

Gene: KIF11 (kinesin family member 11; plus strand). Cytogenetic location: 10q23.33.
Variant type: single nucleotide variant.
Coding change: c.445G>C on transcript NM_004523.4 (MANE Select); coding-DNA position 445, G replaced by C.
Protein change: p.Asp149His; replaces aspartic acid 149 with histidine.
Molecular consequence: missense variant.
Genome position (GRCh38, 1-based): chr10:92,609,077, G>C. VCF-style: chr10-92609077-G-C. GRCh37 (hg19) VCF-style: chr10-94368834-G-C.
Other names: short protein forms D149H.
Identifiers: ClinVar variation 2102033 (VCV002102033.4), dbSNP rs2492480851, ClinGen allele CA377589345.
Genomic context (GRCh38, chr10:92,609,077, plus strand): 5'-CAGGATCCCTTGGCTGGTATAATTCCACGTACCCTTCATCAAATTTTTGAGAAACTTACT[G>C]ATAATGGTACTGAATTTTCAGTCAAAGTGTCTCTGTTGGAGATCTATAATGAAGAGCTTT-3'
Protein context (NP_004514.2, residues 139-159): TLHQIFEKLT[Asp149His]NGTEFSVKVS

ClinVar aggregate classification (germline): Uncertain significance (1 of 4 stars; one submission).

Submission:

Labcorp Genetics (formerly Invitae), Labcorp
Classification: Uncertain significance. Last evaluated: 2022-02-22. Review status: criteria provided, single submitter. Criteria: Invitae Variant Classification Sherloc (09022015). Collection method: clinical testing. Allele origin: germline.
Comment: This variant has not been reported in the literature in individuals affected with KIF11-related conditions. This variant is not present in population databases (gnomAD no frequency). This sequence change replaces aspartic acid, which is acidic and polar, with histidine, which is basic and polar, at codon 149 of the KIF11 protein (p.Asp149His). Algorithms developed to predict the effect of missense changes on protein structure and function are either unavailable or do not agree on the potential impact of this missense change (SIFT: "Deleterious"; PolyPhen-2: "Possibly Damaging"; Align-GVGD: "Class C0"). In summary, the available evidence is currently insufficient to determine the role of this variant in disease. Therefore, it has been classified as a Variant of Uncertain Significance.